The following is an entry in ClinVar:

ClinVar aggregate classification (germline): Uncertain significance. Review status: criteria provided, multiple submitters, no conflicts (2 of 4 stars). 2 submissions from 2 submitters: Uncertain significance (2). Last evaluated 2024-07-16.

Conditions:
Cardiovascular phenotype. Identifiers: MedGen CN230736.
Dilated cardiomyopathy 1G (CMD1G). Identifiers: Orphanet 154, MedGen C1858763, MONDO:0011400, OMIM 604145.
Autosomal recessive limb-girdle muscular dystrophy type 2J (LGMDR10). Also called: Limb-girdle muscular dystrophy, type 2J; MUSCULAR DYSTROPHY, LIMB-GIRDLE, AUTOSOMAL RECESSIVE 10. Identifiers: Orphanet 140922, MedGen C1837342, MONDO:0012127, OMIM 608807.

Submissions (2):

Ambry Genetics
Classification: Uncertain significance for Cardiovascular phenotype. Last evaluated: 2024-07-16. Review status: criteria provided, single submitter. Criteria: Ambry Variant Classification Scheme 2023. Collection method: clinical testing. Allele origin: germline.
Comment: The c.46701_46702insACT variant (also known as p.S15567_V15568insT), located in coding exon 153 of the TTN gene, results from an in-frame ACT insertion at nucleotide positions 46701 to 46702. This results in the insertion of an extra threonine residue between codons 15567 and 15568. This amino acid region is well conserved in available vertebrate species. In addition, this alteration is predicted to be deleterious by in silico analysis (Choi Y et al. PLoS ONE. 2012; 7(10):e46688). Based on the available evidence, the clinical significance of this variant remains unclear.

Labcorp Genetics (formerly Invitae), Labcorp
Classification: Uncertain significance for Dilated cardiomyopathy 1G; Autosomal recessive limb-girdle muscular dystrophy type 2J. Last evaluated: 2016-06-01. Review status: criteria provided, single submitter. Criteria: Invitae Variant Classification Sherloc (09022015). Collection method: clinical testing. Allele origin: germline.

NM_001267550.2(TTN):c.73896_73897insACT (p.Ser24632_Val24633insThr)

Genes: TTN (titin; minus strand), TTN-AS1 (TTN antisense RNA 1; plus strand). Cytogenetic location: 2q31.2.
Variant type: Insertion.
Coding change: c.73896_73897insACT on transcript NM_001267550.2 (MANE Select); coding-DNA positions 73896 to 73897, ACT inserted.
Protein change: p.Ser24632_Val24633insThr.
Molecular consequence: inframe insertion.
Genome position: GRCh38 VCF-style: chr2-178572235-C-CAGT. GRCh37 (hg19) VCF-style: chr2-179436962-C-CAGT.
Other names: c.68973_68974insACT, p.Ser22991_Val22992insThr (NM_001256850.1); c.46701_46702insACT, p.Ser15567_Val15568insThr (NM_003319.4); c.66192_66193insACT, p.Ser22064_Val22065insThr (NM_133378.4); c.47076_47077insACT, p.Ser15692_Val15693insThr (NM_133432.3); c.47277_47278insACT, p.Ser15759_Val15760insThr (NM_133437.4).
Identifiers: ClinVar variation 404742 (VCV000404742.4), dbSNP rs1060500433, ClinGen allele CA16610386.
Genomic context (GRCh38, chr2:178,572,235, plus strand): 5'-CAATGTAGCCTAGAATTCGGCTGCCTCCATCATGCTCTGGTTTCTCCCAAGAGAGTGACA[C>CAGT]ACTATTTCTTGTGACATCCATCAAAGTTATTTTTCCTGGAGGAAGAGGTCGTTCTGATGC-3'